The following is an entry in ClinVar:

ClinVar aggregate classification (germline): Uncertain significance (1 of 4 stars; one submission).

Allele frequency attached by ClinVar (database versions not stated): TOPMed below 0.00001; gnomAD exomes 0.00001; gnomAD 0.00002.
gnomAD v4.1: 20 of 1,600,166 alleles (0.0012%); highest among the groups gnomAD compares: Non-Finnish European, 0.0017%; no homozygotes.

Submission:

Labcorp Genetics (formerly Invitae), Labcorp
Classification: Uncertain significance. Last evaluated: 2022-03-01. Review status: criteria provided, single submitter. Criteria: Invitae Variant Classification Sherloc (09022015). Collection method: clinical testing. Allele origin: germline.
Comment: This sequence change replaces arginine, which is basic and polar, with lysine, which is basic and polar, at codon 690 of the TRAF3IP1 protein (p.Arg690Lys). This variant is present in population databases (no rsID available, gnomAD 0.002%). This variant has not been reported in the literature in individuals affected with TRAF3IP1-related conditions. Algorithms developed to predict the effect of missense changes on protein structure and function (SIFT, PolyPhen-2, Align-GVGD) all suggest that this variant is likely to be tolerated. In summary, the available evidence is currently insufficient to determine the role of this variant in disease. Therefore, it has been classified as a Variant of Uncertain Significance.

NM_015650.4(TRAF3IP1):c.2069G>A (p.Arg690Lys)

Gene: TRAF3IP1 (TRAF3 interacting protein 1; plus strand). Cytogenetic location: 2q37.3.
Variant type: single nucleotide variant.
Coding change: c.2069G>A on transcript NM_015650.4 (MANE Select); coding-DNA position 2069, G replaced by A.
Protein change: p.Arg690Lys; replaces arginine 690 with lysine.
Molecular consequence: missense variant.
Genome position (GRCh38, 1-based): chr2:238,398,912, G>A. VCF-style: chr2-238398912-G-A. GRCh37 (hg19) VCF-style: chr2-239307553-G-A.
Other names: c.1871G>A, p.Arg624Lys (NM_001139490.1); short protein forms R624K, R690K.
Identifiers: ClinVar variation 2094143 (VCV002094143.1), dbSNP rs878921153, ClinGen allele CA351247607.